The following is an entry in ClinVar:

ClinVar aggregate classification (germline): Pathogenic/Likely pathogenic. Review status: criteria provided, multiple submitters, no conflicts (2 of 4 stars). 2 submissions from 2 submitters: Pathogenic (1); Likely pathogenic (1). Last evaluated 2025-08-12.

Conditions:
Hermansky-Pudlak syndrome (HPS). Also called: ALBINISM WITH HEMORRHAGIC DIATHESIS AND PIGMENTED RETICULOENDOTHELIAL CELLS. Identifiers: Orphanet 79430, MedGen C0079504, MONDO:0019312.

Allele frequency attached by ClinVar (database versions not stated): gnomAD exomes below 0.00001.
gnomAD v4.1: 1 of 1,604,310 alleles (0.000062%); highest among the groups gnomAD compares: Admixed American, 0.0017%; no homozygotes.

Submissions (2):

Natera, Inc.
Classification: Likely pathogenic for Hermansky-Pudlak syndrome. Last evaluated: 2025-08-12. Review status: criteria provided, single submitter. Criteria: Natera Variant Classification Schema (03/2026). Collection method: clinical testing. Allele origin: germline.
Comment: The c.2104G>T variant in HPS3 is a nonsense variant predicted to introduce a stop codon at amino acid 702. This variant is expected to result in nonsense mediated decay, truncation, or a dysfunctional protein product. This variant is rare in the general population with a frequency below the threshold expected for the associated phenotype(s). Given the available evidence, this variant is classified as Likely Pathogenic.

Labcorp Genetics (formerly Invitae), Labcorp
Classification: Pathogenic. Last evaluated: 2022-03-16. Review status: criteria provided, single submitter. Criteria: Invitae Variant Classification Sherloc (09022015). Collection method: clinical testing. Allele origin: germline.
Comment: For these reasons, this variant has been classified as Pathogenic. Algorithms developed to predict the effect of sequence changes on RNA splicing suggest that this variant may disrupt the consensus splice site. This variant has not been reported in the literature in individuals affected with HPS3-related conditions. This variant is not present in population databases (gnomAD no frequency). This sequence change creates a premature translational stop signal (p.Glu702*) in the HPS3 gene. It is expected to result in an absent or disrupted protein product. Loss-of-function variants in HPS3 are known to be pathogenic (PMID: 11590544).

Literature cited by the submitters: PubMed 11590544 (cited by Labcorp Genetics (formerly Invitae), Labcorp).

NM_032383.5(HPS3):c.2104G>T (p.Glu702Ter)

Gene: HPS3 (HPS3 biogenesis of lysosomal organelles complex 2 subunit 1; plus strand). Cytogenetic location: 3q24.
Variant type: single nucleotide variant.
Coding change: c.2104G>T on transcript NM_032383.5 (MANE Select); coding-DNA position 2104, G replaced by T.
Protein change: p.Glu702Ter; replaces glutamic acid 702 with a stop codon.
Molecular consequence: nonsense.
Genome position (GRCh38, 1-based): chr3:149,160,277, G>T. VCF-style: chr3-149160277-G-T. GRCh37 (hg19) VCF-style: chr3-148878064-G-T.
Other names: c.2104G>T (NM_032383.4); c.1609G>T, p.Glu537Ter (NM_001308258.2); short protein forms E702*, E537*.
Identifiers: ClinVar variation 2113106 (VCV002113106.5), dbSNP rs2473114256, ClinGen allele CA354923748.